The following is an entry in ClinVar:

NM_001039141.3(TRIOBP):c.3823G>A (p.Asp1275Asn)

Gene: TRIOBP (TRIO and F-actin binding protein; plus strand). Cytogenetic location: 22q13.1.
Variant type: single nucleotide variant.
Coding change: c.3823G>A on transcript NM_001039141.3 (MANE Select); coding-DNA position 3823, G replaced by A.
Protein change: p.Asp1275Asn; replaces aspartic acid 1275 with asparagine.
Molecular consequence: missense variant.
Genome position (GRCh38, 1-based): chr22:37,726,379, G>A. VCF-style: chr22-37726379-G-A. GRCh37 (hg19) VCF-style: chr22-38122386-G-A.
Other names: short protein forms D1275N.
Identifiers: ClinVar variation 1706886 (VCV001706886.2), dbSNP rs762890158, ClinGen allele CA10224223.

ClinVar aggregate classification (germline): Uncertain significance (1 of 4 stars; one submission).

Allele frequency attached by ClinVar (database versions not stated): gnomAD exomes below 0.00001; ExAC 0.00001.
gnomAD v4.1: 5 of 1,591,118 alleles (0.00031%); highest among the groups gnomAD compares: Non-Finnish European, 0.00043%; no homozygotes.

Submission:

GeneDx
Classification: Uncertain significance. Last evaluated: 2022-03-22. Review status: criteria provided, single submitter. Criteria: GeneDx Variant Classification Process June 2021. Collection method: clinical testing. Allele origin: germline. Affected: yes.
Comment: Not observed at significant frequency in large population cohorts (gnomAD); In silico analysis supports that this missense variant does not alter protein structure/function; Has not been previously published as pathogenic or benign to our knowledge